The following is an entry in ClinVar:

ClinVar aggregate classification (germline): Pathogenic. Review status: criteria provided, multiple submitters, no conflicts (2 of 4 stars). 2 submissions from 2 submitters: Pathogenic (2). Last evaluated 2026-11-12.

Conditions:
Autosomal dominant polycystic kidney disease. Identifiers: Orphanet 730, MedGen C0085413, MONDO:0004691.
Polycystic kidney disease, adult type (PKD1). Also called: Polycystic Kidney Disease 1, Autosomal Dominant; Polycystic kidney disease 1; Polycystic kidney disease 1, severe; Polycystic Kidney, Autosomal Dominant; POLYCYSTIC KIDNEY DISEASE, ADULT, TYPE I; POLYCYSTIC KIDNEY DISEASE 1 WITH OR WITHOUT POLYCYSTIC LIVER DISEASE. Identifiers: MedGen C3149841, MONDO:0008263, OMIM 173900.

Submissions (2):

Clinical Genetics Laboratory, Skane University Hospital Lund
Classification: Pathogenic for Autosomal dominant polycystic kidney disease. Last evaluated: 2026-11-12. Review status: criteria provided, single submitter. Criteria: ACMG Guidelines, 2015. Collection method: clinical testing. Allele origin: germline. Affected: yes. Observed: 1 variant allele.
Comment: PKD1 (NM_001009944.3) c.1720G>T, p.(Glu574*) involves a nucleotide substitution in exon 8 (out of 46) that leads to a premature stop codon, resulting in a truncated protein or the loss of protein expression from the allele. The PKD1 c.1720G>T variant has not been observed in the general population and is classified as pathogenic in the ClinVar database (Accession: VCV003774563.1). The variant has previously been identified as a de novo occurrence (internal data). The probability that a variant in PKD1 is the cause of the disease is estimated at 94.0%, once other known disease-associated genes included in the current analysis have been excluded (see GeneReviews and PMID: 38103548 for evidence grading). The variant has been classified as pathogenic based on the following ACMG criteria: PVS1, PM2, PM6, PP1, and PP4_Strong.

MVZ Medizinische Genetik Mainz
Classification: Pathogenic for Polycystic kidney disease, adult type. Last evaluated: 2025-02-10. Review status: criteria provided, single submitter. Criteria: UK Practice Guidelines For Variant Classification V4 01 2020. Collection method: clinical testing. Allele origin: germline. Inheritance: Autosomal dominant inheritance. Affected: yes. Observed: 1 variant allele.
Comment: ACMG Criteria: PVS1,PM2_SUP,PP4

NM_001009944.3(PKD1):c.1720G>T (p.Glu574Ter)

Gene: PKD1 (polycystin 1, transient receptor potential channel interacting; minus strand). Cytogenetic location: 16p13.3.
Variant type: single nucleotide variant.
Coding change: c.1720G>T on transcript NM_001009944.3 (MANE Select); coding-DNA position 1720, G replaced by T.
Protein change: p.Glu574Ter; replaces glutamic acid 574 with a stop codon.
Molecular consequence: nonsense.
Genome position (GRCh38, 1-based): chr16:2,116,531, C>A on the plus strand (G>T on the coding strand, the complement: PKD1 is on the minus strand). VCF-style: chr16-2116531-C-A. GRCh37 (hg19) VCF-style: chr16-2166532-C-A.
Other names: c.1720G>T, p.Glu574Ter (NM_000296.4); short protein forms E574*.
Identifiers: ClinVar variation 3774563 (VCV003774563.2).